The following is an entry in ClinVar:

NM_198428.3(BBS9):c.1468T>C (p.Tyr490His)

Gene: BBS9 (Bardet-Biedl syndrome 9; plus strand). Cytogenetic location: 7p14.3.
Variant type: single nucleotide variant.
Coding change: c.1468T>C on transcript NM_198428.3 (MANE Select); coding-DNA position 1468, T replaced by C.
Protein change: p.Tyr490His; replaces tyrosine 490 with histidine.
Molecular consequence: missense variant. On other transcripts: non-coding transcript variant (3), intron variant (5).
Genome position (GRCh38, 1-based): chr7:33,351,254, T>C. VCF-style: chr7-33351254-T-C. GRCh37 (hg19) VCF-style: chr7-33390866-T-C.
Other names: c.1468T>C, p.Tyr490His (NM_001033605.2, NM_001348036.1, NM_001348041.4 and 2 more transcripts); c.1102T>C, p.Tyr368His (NM_001348037.3, NM_001348045.3, NM_001348046.3); c.1195T>C, p.Tyr399His (NM_001348038.3); c.1333T>C, p.Tyr445His (NM_001348042.3); c.1160-1605T>C (NM_001348039.3); c.1433-1605T>C (NM_001033604.2); c.1432+2084T>C (NM_014451.4, NM_001348040.3); c.1067-1605T>C (NM_001348044.3); short protein forms Y490H, Y399H, Y445H, Y368H.
Identifiers: ClinVar variation 412263 (VCV000412263.10), dbSNP rs760084192, ClinGen allele CA4214353.

ClinVar aggregate classification (germline): Uncertain significance. Review status: criteria provided, multiple submitters, no conflicts (2 of 4 stars). 5 submissions from 5 submitters: Uncertain significance (4). 1 of the submissions does not count toward it. Last evaluated 2024-07-17.

Conditions:
Inborn genetic diseases. Identifiers: MedGen C0950123, MeSH D030342.
BBS9-related disorder. Also called: BBS9-related condition.
Bardet-Biedl syndrome (BBS). Identifiers: Orphanet 110, MedGen C0752166, MONDO:0015229.
Bardet-Biedl syndrome 9 (BBS9). Identifiers: Orphanet 110, MedGen C1859567, MONDO:0014437, OMIM 615986.

Allele frequency attached by ClinVar (database versions not stated): gnomAD exomes 0.00002 and 0.00009; gnomAD 0.00004; ExAC 0.00007; TOPMed 0.00007.
gnomAD v4.1: 39 of 1,612,836 alleles (0.0024%); highest among the groups gnomAD compares: East Asian, 0.08%; no homozygotes.

Submissions (5):

Blueprint Genetics
Classification: Uncertain significance. Last evaluated: 2024-07-17. Review status: criteria provided, single submitter. Criteria: ACMG Guidelines, 2015. Collection method: clinical testing. Allele origin: germline.

Ambry Genetics
Classification: Uncertain significance for Inborn genetic diseases. Last evaluated: 2023-12-07. Review status: criteria provided, single submitter. Criteria: Ambry Variant Classification Scheme 2023. Collection method: clinical testing. Allele origin: germline.

Labcorp Genetics (formerly Invitae), Labcorp
Classification: Uncertain significance for Bardet-Biedl syndrome. Last evaluated: 2022-07-19. Review status: criteria provided, single submitter. Criteria: Invitae Variant Classification Sherloc (09022015). Collection method: clinical testing. Allele origin: germline.
Comment: This sequence change replaces tyrosine, which is neutral and polar, with histidine, which is basic and polar, at codon 490 of the BBS9 protein (p.Tyr490His). This variant is present in population databases (rs760084192, gnomAD 0.1%). This variant has not been reported in the literature in individuals affected with BBS9-related conditions. ClinVar contains an entry for this variant (Variation ID: 412263). Algorithms developed to predict the effect of missense changes on protein structure and function are either unavailable or do not agree on the potential impact of this missense change (SIFT: "Deleterious"; PolyPhen-2: "Benign"; Align-GVGD: "Class C65"). In summary, the available evidence is currently insufficient to determine the role of this variant in disease. Therefore, it has been classified as a Variant of Uncertain Significance.

Fulgent Genetics
Classification: Uncertain significance for Bardet-Biedl syndrome 9. Last evaluated: 2022-02-24. Review status: criteria provided, single submitter. Criteria: ACMG Guidelines, 2015. Collection method: clinical testing. Allele origin: unknown.

PreventionGenetics, part of Exact Sciences
Classification: Uncertain significance for BBS9-related condition. Last evaluated: 2023-12-05. Review status: no assertion criteria provided. Collection method: clinical testing. Allele origin: germline. Not counted in ClinVar's aggregate classification.
Comment: The BBS9 c.1468T>C variant is predicted to result in the amino acid substitution p.Tyr490His. To our knowledge, this variant has not been reported in the literature. This variant is reported in 0.13% of alleles in individuals of East Asian descent in gnomAD. Although we suspect that this variant may be benign, at this time, the clinical significance of this variant is uncertain due to the absence of conclusive functional and genetic evidence.